The following is an entry in ClinVar:

NM_000618.5(IGF1):c.*263T>A

Genes: IGF1 (insulin like growth factor 1; minus strand), LINC02456 (long intergenic non-protein coding RNA 2456; plus strand). Cytogenetic location: 12q23.2.
Variant type: single nucleotide variant.
Coding change: c.*263T>A on transcript NM_000618.5 (MANE Select); 263 bases downstream of the stop codon, T replaced by A.
Molecular consequence: 3 prime UTR variant.
Genome position (GRCh38, 1-based): chr12:102,402,244, A>T on the plus strand (T>A on the coding strand, the complement: IGF1 is on the minus strand). VCF-style: chr12-102402244-A-T. GRCh37 (hg19) VCF-style: chr12-102796022-A-T.
Other names: c.*297T>A (NM_001111283.3); c.*263T>A (NM_001111284.2).
Identifiers: ClinVar variation 306905 (VCV000306905.14), dbSNP rs70961704, ClinGen allele CA10636241.

ClinVar aggregate classification (germline): Benign/Likely benign. Review status: criteria provided, multiple submitters, no conflicts (2 of 4 stars). 5 submissions from 5 submitters: Benign (3); Likely benign (2). Last evaluated 2019-05-28.

Conditions:
Growth delay due to insulin-like growth factor type 1 deficiency (IGF1D). Also called: GROWTH RETARDATION WITH SENSORINEURAL DEAFNESS AND MENTAL RETARDATION; IGF1 DEFICIENCY. Identifiers: Orphanet 73272, MedGen C1837475, MONDO:0012110, OMIM 608747.

Allele frequency attached by ClinVar (database versions not stated): gnomAD 0.02615 and 0.02755; gnomAD exomes 0.02619; TOPMed 0.02734; 1000 Genomes Project 0.03474.
gnomAD v4.1: 6,133 of 227,346 alleles (2.7%); highest among the groups gnomAD compares: South Asian, 5.2%; 93 homozygotes.

Submissions (5):

Mendelics
Classification: Benign for Growth delay due to insulin-like growth factor type 1 deficiency. Last evaluated: 2019-05-28. Review status: criteria provided, single submitter. Criteria: Mendelics Assertion Criteria 2017. Collection method: clinical testing. Allele origin: unknown.

Eurofins Ntd Llc (ga)
Classification: Benign. Last evaluated: 2018-04-27. Review status: criteria provided, single submitter. Criteria: EGL ClinVar v180209 classification definitions. Collection method: clinical testing. Allele origin: germline. Observed: 1 variant allele, 1 heterozygote.

Illumina Laboratory Services, Illumina
Classification: Likely benign for Growth delay due to insulin-like growth factor type 1 deficiency. Last evaluated: 2017-04-27. Review status: criteria provided, single submitter. Criteria: ICSL Variant Classification Criteria 13 December 2019. Collection method: clinical testing. Allele origin: germline.
Comment: This variant was observed as part of a predisposition screen in an ostensibly healthy population. A literature search was performed for the gene, cDNA change, and amino acid change (where applicable). No publications were found based on this search. Allele frequency data from public databases allowed determination this variant is unlikely to cause disease. Therefore, this variant is classified as likely benign.

Laboratory for Molecular Medicine, Mass General Brigham Personalized Medicine
Classification: Benign. Last evaluated: 2016-04-25. Review status: criteria provided, single submitter. Criteria: LMM Criteria. Collection method: clinical testing. Allele origin: germline.
Comment: Variant identified in a genome or exome case(s) and assessed due to predicted null impact of the variant or pathogenic assertions in the literature or databases. Disclaimer: This variant has not undergone full assessment. The following are preliminary notes: 1KG: 3.5% (174/5008) total chromosomes, associated with insulin-like growth factor deficiency, sib does not carry variant

Breakthrough Genomics
Classification: Likely benign. Review status: criteria provided, single submitter. Criteria: ACMG Guidelines, 2015. Collection method: not provided. Allele origin: germline. Inheritance: Autosomal recessive inheritance. Affected: yes.